The following is an entry in ClinVar:

NM_001754.5(RUNX1):c.510G>A (p.Gly170=)

Genes: RUNX1 (RUNX family transcription factor 1; minus strand), RUNX1-AS1 (RUNX1 antisense RNA 1; plus strand). Cytogenetic location: 21q22.12.
Variant type: single nucleotide variant.
Coding change: c.510G>A on transcript NM_001754.5 (MANE Select); coding-DNA position 510, G replaced by A.
Protein change: p.Gly170=; no amino-acid change (glycine 170 retained).
Molecular consequence: synonymous variant.
Genome position (GRCh38, 1-based): chr21:34,859,577, C>T on the plus strand (G>A on the coding strand, the complement: RUNX1 is on the minus strand). VCF-style: chr21-34859577-C-T. GRCh37 (hg19) VCF-style: chr21-36231874-C-T.
Other names: NM_001754.5(RUNX1):c.510G>A; p.Gly170=; c.429G>A, p.Gly143= (NM_001001890.3, NM_001122607.2).
Identifiers: ClinVar variation 1095395 (VCV001095395.10), dbSNP rs2057542703, ClinGen allele CA512319138.

ClinVar aggregate classification (germline): Likely benign. Review status: reviewed by expert panel (3 of 4 stars). 2 submissions from 2 submitters: Likely benign (1). 1 of the submissions does not count toward it. Last evaluated 2022-04-25.

Conditions:
Hereditary thrombocytopenia and hematologic cancer predisposition syndrome. Identifiers: Orphanet 71290, MedGen CN281654, MONDO:0011071.
Hereditary thrombocytopenia and hematological cancer predisposition syndrome associated with RUNX1. Also called: PLATELET DISORDER, ASPIRIN-LIKE; RUNX1 Familial Platelet Disorder with Associated Myeloid Malignancies; Familial Platelet Disorder with Propensity to Acute Myelogenous Leukemia; Familial thrombocytopenia with propensity to acute myelogenous leukemia. Identifiers: Orphanet 71290, MedGen C1832388, MeSH C563324, MONDO:0100083, OMIM 601399.

Submissions (2):

ClinGen Myeloid Malignancy Variant Curation Expert Panel
Classification: Likely benign for Hereditary thrombocytopenia and hematologic cancer predisposition syndrome. Last evaluated: 2022-04-25. Review status: reviewed by expert panel. Criteria: ClinGen MyeloMalig ACMG Specifications v2. Collection method: curation. Allele origin: germline. Inheritance: Autosomal dominant inheritance.
Comment: NM_001754.5(RUNX1):c.510G>A (p.Gly170=) is a synonymous variant. REVEL score not calculable. SpliceAI predicts: Acceptor loss 0.00, Donor loss 0.00, Acceptor gain 0.00, Donor gain 0.00 (BP4). Evolutionary conservation prediction algorithms predict the site as not being conserved (PhyloP score -0.450016 < 2.0 or the variant is the reference nucleotide in one primate and/or three mammal species) (BP7). This variant is completely absent from all population databases with at least 20x coverage for RUNX1 (PM2_supporting). In summary, this variant meets criteria to be classified as likely benign. ACMG/AMP criteria applied, as specified by the Myeloid Malignancy Variant Curation Expert Panel for RUNX1: BP4, BP7, PM2_supporting.

Labcorp Genetics (formerly Invitae), Labcorp
Classification: Likely benign for Hereditary thrombocytopenia and hematological cancer predisposition syndrome associated with RUNX1. Last evaluated: 2019-02-25. Review status: criteria provided, single submitter. Criteria: Invitae Variant Classification Sherloc (09022015). Collection method: clinical testing. Allele origin: germline. Not counted in ClinVar's aggregate classification.